The following is an entry in ClinVar:

NM_138927.4(SON):c.5057_5058del (p.Lys1686fs)

Gene: SON (SON DNA and RNA binding protein; plus strand). Cytogenetic location: 21q22.11.
Variant type: Deletion.
Coding change: c.5057_5058del on transcript NM_138927.4 (MANE Select); coding-DNA positions 5057 to 5058, 2 bases deleted (AA; older notation c.5057_5058delAA).
Protein change: p.Lys1686fs; shifts the reading frame from lysine 1686.
Molecular consequence: frameshift variant. On other transcripts: non-coding transcript variant (1), intron variant (1).
Genome position (GRCh38, 1-based): chr21:33,554,288-33,554,289, AA deleted; deleting any 2 consecutive bases within chr21:33,554,286-33,554,289 gives the same sequence; the c. name uses the placement nearest the transcript's 3' end. VCF-style (leftmost placement, unchanged base first): chr21-33554285-TAA-T. GRCh37 (hg19) VCF-style: chr21-34926591-TAA-T.
Other names: c.5057_5058del, p.Lys1686fs (NM_032195.3, NM_001291411.2); c.5057_5058delAA, p.Lys1686Argfs (NM_058183.2, NM_138926.1, NM_001412133.1); c.245-2868_245-2867del (NM_001291412.3); short protein forms K1686fs.
Identifiers: ClinVar variation 3236377 (VCV003236377.1), dbSNP rs2085901333, ClinGen allele CA2825002850.
Genomic context (GRCh38, chr21:33,554,285, plus strand): 5'-ATCTTGATTTACCATCTAATAATAACCTTGTTAGTAAGGATACAGAAGAACCATTACCTG[TAA>T]AAGAGAGTGACCAGACATTAGCAGCTCTGCTCAGCCCTAAAGAAAGTAGTGGAGGAGAAA-3'

ClinVar aggregate classification (germline): Pathogenic (1 of 4 stars; one submission).

Conditions:
ZTTK syndrome (ZTTKS). Also called: Zhu-Tokita-Takenouchi-Kim Syndrome; ZTTK MULTIPLE CONGENITAL ANOMALIES-MENTAL RETARDATION SYNDROME. Identifiers: Orphanet 500150, MedGen C4310696, MONDO:0014936, OMIM 617140.

Submission:

MVZ Medizinische Genetik Mainz
Classification: Pathogenic for ZTTK syndrome. Last evaluated: 2023-02-24. Review status: criteria provided, single submitter. Criteria: UK Practice Guidelines For Variant Classification V4 01 2020. Collection method: clinical testing. Allele origin: germline. Inheritance: Autosomal dominant inheritance. Affected: yes. Observed: 1 variant allele.
Comment: ACMG Criteria: PVS1,PM2_SUP